The following is an entry in ClinVar:

ClinVar aggregate classification (germline): Pathogenic/Likely pathogenic. Review status: criteria provided, multiple submitters, no conflicts (2 of 4 stars). 11 submissions from 11 submitters: Pathogenic (6); Likely pathogenic (2). 3 of the submissions do not count toward it. Last evaluated 2025-12-02.

Conditions:
MYH7-related disorder. Also called: MYH7-related disorders; MYH7-related condition; MYH7-related disease.
Cardiovascular phenotype. Identifiers: MedGen CN230736.
MYH7-related skeletal myopathy. Also called: Myopathy, distal, 1; MYOPATHY, DISTAL, EARLY-ONSET, AUTOSOMAL DOMINANT; MYOPATHY, LATE DISTAL HEREDITARY; Laing distal myopathy; Laing early-onset distal myopathy. Identifiers: Orphanet 59135, MedGen C4552004, MONDO:0008050, OMIM 160500.
Abnormality of the musculature. Identifiers: MedGen C4021745, HP:0003011.
Hypertrophic cardiomyopathy. Also called: HYPERTROPHIC MYOCARDIOPATHY. Identifiers: Orphanet 217569, MedGen C0007194, MeSH D002312, MONDO:0005045, HP:0001639.

Submissions (11):

Labcorp Genetics (formerly Invitae), Labcorp
Classification: Pathogenic for Hypertrophic cardiomyopathy. Last evaluated: 2025-12-02. Review status: criteria provided, single submitter. Criteria: Invitae Variant Classification Sherloc (09022015). Collection method: clinical testing. Allele origin: germline.
Comment: This variant, c.4850_4852del, results in the deletion of 1 amino acid(s) of the MYH7 protein (p.Lys1617del), but otherwise preserves the integrity of the reading frame. This variant is not present in population databases (gnomAD no frequency). This variant has been observed in individuals with autosomal dominant early-onset Laing distal myopathy (PMID: 15322983, 16103042, 24300783, 24664454, 27387980). It has also been observed to segregate with disease in related individuals. ClinVar contains an entry for this variant (Variation ID: 190401). For these reasons, this variant has been classified as Pathogenic.

PreventionGenetics, part of Exact Sciences
Classification: Pathogenic for MYH7-related condition. Last evaluated: 2025-01-16. Review status: criteria provided, single submitter. Criteria: ACMG Guidelines, 2015. Collection method: clinical testing. Allele origin: germline.
Comment: The MYH7 c.4850_4852delAGA variant is predicted to result in an in-frame deletion (p.Lys1617del). This variant has been reported in numerous individuals with Laing early onset distal myopathy (MPD1) (Meredith et al. 2004. PubMed ID: 15322983; Lamont et al. 2014. PubMed ID: 24664454). In vitro and in vivo functional studies using molecular modeling and skeletal muscle sarcomeres demonstrated this variant has an effect on helical stability, filament formation, and myosin packing (Parker et al. 2018. PubMed ID: 29660325). This variant has not been reported in a large population database (gnomAD), indicating this variant is rare. This variant is interpreted as pathogenic.

Ambry Genetics
Classification: Likely pathogenic for Cardiovascular phenotype. Last evaluated: 2024-08-20. Review status: criteria provided, single submitter. Criteria: Ambry Variant Classification Scheme 2023. Collection method: clinical testing. Allele origin: germline.
Comment: The c.4850_4852delAGA variant (also known as p.K1617del) is located in coding exon 32 of the MYH7 gene. This variant results from an in-frame AGA deletion at nucleotide positions 4850 to 4852. This results in the in-frame deletion of a lysine at codon 1617. This variant was reported in multiple individuals with features consistent with skeletal myopathy myopathy, and segregated with disease in families. One individual with skeletal myopathy was also reported to have dilated cardiomyopathy (Meredith C. et al. Am. J. Hum. Genet. 2004 Oct;75(4):703-8; Lamont PJ et al. Hum Mutat. 2014 Jul;35(7):868-79; Koml&oacute;si K et al. Neuromuscul Disord. 2014 Feb;24(2):156-61; Oda T et al. Hum Genome Var, 2015 Jul;2:15022; Savarese M et al. Acta Neuropathol Commun. 2014 Sep;2:100; Monies D et al. Am J Hum Genet, 2019 Jun;104:1182-1201; Ganapathy A et al. J Neurol, 2019 Aug;266:1919-1926; Lee HH et al. Genet Test Mol Biomarkers, 2020 Feb;24:99-104; Yu M et al. Orphanet J Rare Dis, 2020 Dec;15:344). One functional study indicated this variant may impair myofilament formation (Parker F et al. J Mol Biol, 2018 May;430:1459-1478). This amino acid position is highly conserved in available vertebrate species. In addition, this alteration is predicted to be deleterious by in silico analysis (Choi Y et al. PLoS ONE. 2012; 7(10):e46688). This variant is considered to be rare based on population cohorts in the Genome Aggregation Database (gnomAD). Based on the majority of available evidence to date, this variant is likely to be pathogenic for MYH7-related skeletal myopathy; however, its clinical significance for MYH7-related cardiomyopathy is uncertain.

GeneDx
Classification: Pathogenic. Last evaluated: 2024-05-19. Review status: criteria provided, single submitter. Criteria: GeneDx Variant Classification Process June 2021. Collection method: clinical testing. Allele origin: germline. Affected: yes.
Comment: In-frame deletion of 1 amino acid in a non-repeat region; In silico analysis supports a deleterious effect on protein structure/function; Not observed at significant frequency in large population cohorts (gnomAD); This variant is associated with the following publications: (PMID: 27081534, 24664454, 24300783, 15322983, 27387980, 29660325, 31130284, 32833721, 25214167, 33298082, 31069529)

Blueprint Genetics
Classification: Pathogenic for MYH7-related disorders. Last evaluated: 2024-01-10. Review status: criteria provided, single submitter. Criteria: ACMG Guidelines, 2015. Collection method: clinical testing. Allele origin: germline. Affected: yes. Observed: 1 variant allele.

Revvity Omics, Revvity
Classification: Pathogenic. Last evaluated: 2023-11-17. Review status: criteria provided, single submitter. Criteria: ACMG Guidelines, 2015. Collection method: clinical testing. Allele origin: germline.

Kariminejad - Najmabadi Pathology & Genetics Center
Classification: Likely pathogenic for Abnormality of the musculature. Last evaluated: 2021-07-10. Review status: criteria provided, single submitter. Criteria: ACMG Guidelines, 2015. Collection method: clinical testing. Allele origin: germline. Affected: yes.

Institute of Human Genetics Munich, TUM University Hospital
Classification: Pathogenic for MYH7-related skeletal myopathy. Last evaluated: 2017-10-18. Review status: criteria provided, single submitter. Criteria: Classification criteria August 2017. Collection method: clinical testing. Allele origin: de novo. Inheritance: Autosomal dominant inheritance. Affected: yes. Observed: 1 heterozygote.

Neurogenetics Laboratory, Royal Perth Hospital
Classification: Pathogenic for Myopathy, distal, 1. Last evaluated: 2013-01-01. Review status: no assertion criteria provided. Collection method: clinical testing. Allele origin: germline. Inheritance: Autosomal dominant inheritance. Affected: yes. Observed: 18 variant alleles. Not counted in ClinVar's aggregate classification.

OMIM
Classification: Pathogenic for LAING DISTAL MYOPATHY. Last evaluated: 2004-10-01. Review status: no assertion criteria provided. Collection method: literature only. Allele origin: germline. Not counted in ClinVar's aggregate classification.

GeneReviews
No classification provided. Condition: MYH7-related skeletal myopathy. Review status: no classification provided. Collection method: literature only. Allele origin: germline. Not counted in ClinVar's aggregate classification.
Comment: Most common recurrent pathogenic variant

Literature cited by the submitters: PubMed 15322983 (cited by 4 submitters); PubMed 16103042 (cited by Labcorp Genetics (formerly Invitae), Labcorp and Ambry Genetics); PubMed 24300783 (cited by 3 submitters); PubMed 24664454 (cited by 4 submitters); PubMed 27387980 (cited by Labcorp Genetics (formerly Invitae), Labcorp); PubMed 25214167 (cited by Ambry Genetics); PubMed 27081534 (cited by Ambry Genetics); PubMed 29660325 (cited by Ambry Genetics); PubMed 30907627 (cited by Ambry Genetics); PubMed 31069529 (cited by Ambry Genetics); PubMed 31130284 (cited by Ambry Genetics); PubMed 33298082 (cited by Ambry Genetics); PubMed 11166161 (cited by Neurogenetics Laboratory, Royal Perth Hospital and OMIM); PubMed 11102913 (cited by Neurogenetics Laboratory, Royal Perth Hospital and OMIM); NCBI Bookshelf NBK1433 (cited by GeneReviews).

NM_000257.4(MYH7):c.4844AGA[2] (p.Lys1617del)

Genes: MHRT (myosin heavy chain associated RNA transcript; plus strand), MYH7 (myosin heavy chain 7; minus strand), LOC126861897 (BRD4-independent group 4 enhancer GRCh37_chr14:23884455-23885654; plus strand). Cytogenetic location: 14q11.2.
Variant type: Microsatellite.
Coding change: c.4844AGA[2] on transcript NM_000257.4 (MANE Select); two copies in a row of the 3-base unit AGA starting at c.4844; the reference has three copies in a row; one copy, 3 bases deleted; also written c.4850_4852del.
Protein change: p.Lys1617del; deletes lysine 1617.
Molecular consequence: inframe deletion. On other transcripts: non-coding transcript variant (1).
Genome position (GRCh38, 1-based): chr14:23,416,105-23,416,107, TCT deleted on the plus strand (AGA on the coding strand, the reverse complement: MYH7 is on the minus strand); deleting any 3 consecutive bases within chr14:23,416,105-23,416,115 gives the same sequence; the position shown is the placement nearest the transcript's 3' end. VCF-style (leftmost placement, unchanged base first): chr14-23416104-ATCT-A. GRCh37 (hg19) VCF-style: chr14-23885313-ATCT-A.
Other names: c.4850_4852delAGA (NM_000257.4); c.4850_4852del (NM_000257.4, NM_000257.3, NM_000257.2); c.4849_4851delAAG (NM_000257.4); short protein forms K1617del.
Identifiers: ClinVar variation 190401 (VCV000190401.43), dbSNP rs121913648, ClinGen allele CA015411.